The following is an entry in ClinVar:

NM_015041.3(CLUAP1):c.8T>C (p.Phe3Ser)

Genes: CLUAP1 (clusterin associated protein 1; plus strand), LOC130058340 (ATAC-STARR-seq lymphoblastoid active region 10324; plus strand). Cytogenetic location: 16p13.3.
Variant type: single nucleotide variant.
Coding change: c.8T>C on transcript NM_015041.3 (MANE Select); coding-DNA position 8, T replaced by C.
Protein change: p.Phe3Ser; replaces phenylalanine 3 with serine.
Molecular consequence: missense variant.
Genome position (GRCh38, 1-based): chr16:3,501,075, T>C. VCF-style: chr16-3501075-T-C. GRCh37 (hg19) VCF-style: chr16-3551075-T-C.
Other names: c.8T>C, p.Phe3Ser (NM_001330454.2); short protein forms F3S.
Identifiers: ClinVar variation 1427534 (VCV001427534.9), dbSNP rs1277917152, ClinGen allele CA394510470.

ClinVar aggregate classification (germline): Uncertain significance (1 of 4 stars; one submission).

Allele frequency attached by ClinVar (database versions not stated): gnomAD exomes below 0.00001; TOPMed below 0.00001.
gnomAD v4.1: 2 of 1,598,454 alleles (0.00013%); highest among the groups gnomAD compares: East Asian, 0.0022%; no homozygotes.

Submission:

Labcorp Genetics (formerly Invitae), Labcorp
Classification: Uncertain significance. Last evaluated: 2021-01-29. Review status: criteria provided, single submitter. Criteria: Invitae Variant Classification Sherloc (09022015). Collection method: clinical testing. Allele origin: germline.
Comment: In summary, the available evidence is currently insufficient to determine the role of this variant in disease. Therefore, it has been classified as a Variant of Uncertain Significance. Algorithms developed to predict the effect of missense changes on protein structure and function are either unavailable or do not agree on the potential impact of this missense change (SIFT: "Deleterious"; PolyPhen-2: "Possibly Damaging"; Align-GVGD: "Class C0"). This variant has not been reported in the literature in individuals with CLUAP1-related conditions. This variant is not present in population databases (ExAC no frequency). This sequence change replaces phenylalanine with serine at codon 3 of the CLUAP1 protein (p.Phe3Ser). The phenylalanine residue is moderately conserved and there is a large physicochemical difference between phenylalanine and serine.